The following is an entry in ClinVar:

NM_001365536.1(SCN9A):c.1912A>C (p.Met638Leu)

Genes: SCN9A (sodium voltage-gated channel alpha subunit 9; minus strand), SCN1A-AS1 (SCN1A and SCN9A antisense RNA 1; plus strand). Cytogenetic location: 2q24.3.
Variant type: single nucleotide variant.
Coding change: c.1912A>C on transcript NM_001365536.1 (MANE Select); coding-DNA position 1912, A replaced by C.
Protein change: p.Met638Leu; replaces methionine 638 with leucine.
Molecular consequence: missense variant.
Genome position (GRCh38, 1-based): chr2:166,284,515, T>G on the plus strand (A>C on the coding strand, the complement: SCN9A is on the minus strand). VCF-style: chr2-166284515-T-G. GRCh37 (hg19) VCF-style: chr2-167141025-T-G.
Other names: c.1912A>C, p.Met638Leu (NM_002977.4); short protein forms M638L.
Identifiers: ClinVar variation 663437 (VCV000663437.12), dbSNP rs746665802, ClinGen allele CA1944402.

ClinVar aggregate classification (germline): Uncertain significance. Review status: criteria provided, multiple submitters, no conflicts (2 of 4 stars). 3 submissions from 3 submitters: Uncertain significance (3). Last evaluated 2026-01-21.

Conditions:
Inborn genetic diseases. Identifiers: MedGen C0950123, MeSH D030342.
Generalized epilepsy with febrile seizures plus, type 7 (GEFSP7). Also called: GEFS+, TYPE 7. Identifiers: Orphanet 36387, MedGen C2751778, MONDO:0013470, OMIM 613863.
Neuropathy, hereditary sensory and autonomic, type 2A (HSAN2A). Also called: HSAN IIA; WNK1-Related HSAN2 (HSAN2A); MORVAN DISEASE; NEUROPATHY, CONGENITAL SENSORY; NEUROPATHY, HEREDITARY SENSORY RADICULAR, AUTOSOMAL RECESSIVE; NEUROPATHY, HEREDITARY SENSORY, TYPE IIA. Identifiers: Orphanet 970, MedGen C2752089, MONDO:0024309, OMIM 201300.

Allele frequency attached by ClinVar (database versions not stated): gnomAD 0.00017 and 0.00019; TOPMed 0.00032.
gnomAD v4.1: 51 of 1,613,962 alleles (0.0032%); highest among the groups gnomAD compares: Admixed American, 0.053%; no homozygotes.

Submissions (3):

Labcorp Genetics (formerly Invitae), Labcorp
Classification: Uncertain significance for Neuropathy, hereditary sensory and autonomic, type 2A; Generalized epilepsy with febrile seizures plus, type 7. Last evaluated: 2026-01-21. Review status: criteria provided, single submitter. Criteria: Invitae Variant Classification Sherloc (09022015). Collection method: clinical testing. Allele origin: germline.
Comment: This sequence change replaces methionine, which is neutral and non-polar, with leucine, which is neutral and non-polar, at codon 638 of the SCN9A protein (p.Met638Leu). This variant is present in population databases (rs746665802, gnomAD 0.02%). This variant has not been reported in the literature in individuals affected with SCN9A-related conditions. ClinVar contains an entry for this variant (Variation ID: 663437). Invitae Evidence Modeling of protein sequence and biophysical properties (such as structural, functional, and spatial information, amino acid conservation, physicochemical variation, residue mobility, and thermodynamic stability) has been performed for this missense variant. However, the output from this modeling did not meet the statistical confidence thresholds required to predict the impact of this variant on SCN9A protein function. In summary, the available evidence is currently insufficient to determine the role of this variant in disease. Therefore, it has been classified as a Variant of Uncertain Significance.

Women's Health and Genetics/Laboratory Corporation of America, LabCorp
Classification: Uncertain significance. Last evaluated: 2025-11-11. Review status: criteria provided, single submitter. Criteria: LabCorp Variant Classification Summary - May 2015. Collection method: clinical testing. Allele origin: germline.
Comment: Variant summary: SCN9A c.1912A>C (p.Met638Leu) results in a conservative amino acid change in the encoded protein sequence. Algorithms developed to predict the effect of missense changes on protein structure and function all suggest that this variant is likely to be tolerated. The variant allele was found at a frequency of 2e-05 in 248542 control chromosomes. The available data on variant occurrences in the general population are insufficient to allow any conclusion about variant significance. To our knowledge, no occurrence of c.1912A>C in individuals affected with SCN9A-related conditions and no experimental evidence demonstrating its impact on protein function have been reported. ClinVar contains an entry for this variant (Variation ID: 663437). Based on the evidence outlined above, the variant was classified as uncertain significance.

Ambry Genetics
Classification: Uncertain significance for Inborn genetic diseases. Last evaluated: 2023-10-27. Review status: criteria provided, single submitter. Criteria: Ambry Variant Classification Scheme 2023. Collection method: clinical testing. Allele origin: germline.